The following is an entry in ClinVar:

ClinVar aggregate classification (germline): Uncertain significance (1 of 4 stars; one submission).

Conditions:
Catecholaminergic polymorphic ventricular tachycardia 1. Also called: VENTRICULAR TACHYCARDIA, CATECHOLAMINERGIC POLYMORPHIC, 1, WITH OR WITHOUT ATRIAL DYSFUNCTION AND/OR DILATED CARDIOMYOPATHY; RYR2-Related Catecholaminergic Polymorphic Ventricular Tachycardia; VENTRICULAR TACHYCARDIA, STRESS-INDUCED POLYMORPHIC 1. Identifiers: Orphanet 3286, MedGen C1631597, MONDO:0011484, OMIM 604772.

Submission:

Labcorp Genetics (formerly Invitae), Labcorp
Classification: Uncertain significance for Catecholaminergic polymorphic ventricular tachycardia 1. Last evaluated: 2025-07-30. Review status: criteria provided, single submitter. Criteria: Invitae Variant Classification Sherloc (09022015). Collection method: clinical testing. Allele origin: germline.
Comment: This sequence change replaces threonine, which is neutral and polar, with asparagine, which is neutral and polar, at codon 3658 of the RYR2 protein (p.Thr3658Asn). This variant is not present in population databases (gnomAD no frequency). This variant has not been reported in the literature in individuals affected with RYR2-related conditions. Invitae Evidence Modeling of protein sequence and biophysical properties (such as structural, functional, and spatial information, amino acid conservation, physicochemical variation, residue mobility, and thermodynamic stability) indicates that this missense variant is not expected to disrupt RYR2 protein function with a negative predictive value of 95%. In summary, the available evidence is currently insufficient to determine the role of this variant in disease. Therefore, it has been classified as a Variant of Uncertain Significance.

NM_001035.3(RYR2):c.10973C>A (p.Thr3658Asn)

Gene: RYR2 (ryanodine receptor 2; plus strand). Cytogenetic location: 1q43.
Variant type: single nucleotide variant.
Coding change: c.10973C>A on transcript NM_001035.3 (MANE Select); coding-DNA position 10973, C replaced by A.
Protein change: p.Thr3658Asn; replaces threonine 3658 with asparagine.
Molecular consequence: missense variant.
Genome position (GRCh38, 1-based): chr1:237,732,083, C>A. VCF-style: chr1-237732083-C-A. GRCh37 (hg19) VCF-style: chr1-237895383-C-A.
Other names: short protein forms T3658N.
Identifiers: ClinVar variation 4740017 (VCV004740017.1).